The following is an entry in ClinVar:

ClinVar aggregate classification (germline): Uncertain significance (1 of 4 stars; one submission).

Allele frequency attached by ClinVar (database versions not stated): gnomAD exomes below 0.00001; ExAC 0.00001; gnomAD 0.00001.
gnomAD v4.1: 5 of 1,614,060 alleles (0.00031%); highest among the groups gnomAD compares: Non-Finnish European, 0.00042%; no homozygotes.

Submission:

GeneDx
Classification: Uncertain significance. Last evaluated: 2019-10-11. Review status: criteria provided, single submitter. Criteria: GeneDx Variant Classification Process June 2021. Collection method: clinical testing. Allele origin: germline. Affected: yes.
Comment: Not observed in large population cohorts (Lek et al., 2016); In silico analysis, which includes protein predictors and evolutionary conservation, supports that this variant does not alter protein structure/function; Has not been previously published as pathogenic or benign to our knowledge

NM_001371727.1(GABRB2):c.1385A>C (p.Gln462Pro)

Gene: GABRB2 (gamma-aminobutyric acid type A receptor subunit beta2; minus strand). Cytogenetic location: 5q34.
Variant type: single nucleotide variant.
Coding change: c.1385A>C on transcript NM_001371727.1 (MANE Select); coding-DNA position 1385, A replaced by C.
Protein change: p.Gln462Pro; replaces glutamine 462 with proline.
Molecular consequence: missense variant.
Genome position (GRCh38, 1-based): chr5:161,294,235, T>G on the plus strand (A>C on the coding strand, the complement: GABRB2 is on the minus strand). VCF-style: chr5-161294235-T-G. GRCh37 (hg19) VCF-style: chr5-160721242-T-G.
Other names: c.1271A>C, p.Gln424Pro (NM_000813.3); c.1385A>C, p.Gln462Pro (NM_021911.3); short protein forms Q424P, Q462P.
Identifiers: ClinVar variation 1306162 (VCV001306162.2), dbSNP rs761252178, ClinGen allele CA3543326.